The following is an entry in ClinVar:

NM_013450.4(BAZ2B):c.3023G>A (p.Arg1008Lys)

Gene: BAZ2B (bromodomain adjacent to zinc finger domain 2B; minus strand). Cytogenetic location: 2q24.2.
Variant type: single nucleotide variant.
Coding change: c.3023G>A on transcript NM_013450.4 (MANE Select); coding-DNA position 3023, G replaced by A.
Protein change: p.Arg1008Lys; replaces arginine 1008 with lysine.
Molecular consequence: missense variant.
Genome position (GRCh38, 1-based): chr2:159,395,821, C>T on the plus strand (G>A on the coding strand, the complement: BAZ2B is on the minus strand). VCF-style: chr2-159395821-C-T. GRCh37 (hg19) VCF-style: chr2-160252332-C-T.
Other names: c.3023G>A (NM_013450.2); c.2915G>A, p.Arg972Lys (NM_001289975.1); c.2861G>A, p.Arg954Lys (NM_001329857.2); c.2948G>A, p.Arg983Lys (NM_001329858.2); short protein forms R1008K, R954K, R972K, R983K.
Identifiers: ClinVar variation 3033641 (VCV003033641.5), dbSNP rs180681997, ClinGen allele CA1924447.

ClinVar aggregate classification (germline): Likely benign. Review status: criteria provided, multiple submitters, no conflicts (2 of 4 stars). 3 submissions from 3 submitters: Likely benign (2). 1 of the submissions does not count toward it. Last evaluated 2026-04-01.

Conditions:
BAZ2B-related disorder. Also called: BAZ2B-related condition.
Inborn genetic diseases. Identifiers: MedGen C0950123, MeSH D030342.

Allele frequency attached by ClinVar (database versions not stated): ESP Exome Variant Server 0.00042; gnomAD exomes 0.00071; gnomAD 0.00074; TOPMed 0.00097; ExAC 0.00148; 1000 Genomes Project 30x 0.00203; 1000 Genomes Project 0.00220.
gnomAD v4.1: 1,198 of 1,611,372 alleles (0.074%); highest among the groups gnomAD compares: South Asian, 0.63%; 21 homozygotes.

Submissions (3):

CeGaT Center for Human Genetics Tuebingen
Classification: Likely benign. Last evaluated: 2026-04-01. Review status: criteria provided, single submitter. Criteria: CeGaT Center For Human Genetics Tuebingen Variant Classification Criteria Version 2. Collection method: clinical testing. Allele origin: germline. Affected: yes. Observed: 1 variant allele.
Comment: BAZ2B: BS2

Ambry Genetics
Classification: Likely benign for Inborn genetic diseases. Last evaluated: 2023-11-14. Review status: criteria provided, single submitter. Criteria: Ambry Variant Classification Scheme 2023. Collection method: clinical testing. Allele origin: germline.

PreventionGenetics, part of Exact Sciences
Classification: Benign for BAZ2B-related condition. Last evaluated: 2022-01-28. Review status: no assertion criteria provided. Collection method: clinical testing. Allele origin: germline. Not counted in ClinVar's aggregate classification.
Comment: This variant is classified as benign based on ACMG/AMP sequence variant interpretation guidelines (Richards et al. 2015 PMID: 25741868, with internal and published modifications).